The following is an entry in ClinVar:

NM_003705.5(SLC25A12):c.57_58del (p.Phe20fs)

Gene: SLC25A12 (solute carrier family 25 member 12; minus strand). Cytogenetic location: 2q31.1.
Variant type: Microsatellite.
Coding change: c.57_58del on transcript NM_003705.5 (MANE Select); coding-DNA positions 57 to 58, 2 bases deleted (AT; older notation c.57_58delAT).
Protein change: p.Phe20fs; shifts the reading frame from phenylalanine 20.
Molecular consequence: frameshift variant. On other transcripts: non-coding transcript variant (1).
Genome position (GRCh38, 1-based): chr2:171,893,213-171,893,214, AT deleted on the plus strand (AT on the coding strand, the reverse complement: SLC25A12 is on the minus strand); deleting any 2 consecutive bases within chr2:171,893,213-171,893,216 gives the same sequence; the c. name uses the placement nearest the transcript's 3' end. VCF-style (leftmost placement, unchanged base first): chr2-171893212-AAT-A. GRCh37 (hg19) VCF-style: chr2-172749722-AAT-A.
Other names: short protein forms F20fs.
Identifiers: ClinVar variation 1455129 (VCV001455129.19), dbSNP rs1268834418, ClinGen allele CA645516246.

ClinVar aggregate classification (germline): Pathogenic/Likely pathogenic. Review status: criteria provided, multiple submitters, no conflicts (2 of 4 stars). 2 submissions from 2 submitters: Pathogenic (1); Likely pathogenic (1). Last evaluated 2025-10-13.

Submissions (2):

Labcorp Genetics (formerly Invitae), Labcorp
Classification: Pathogenic. Last evaluated: 2025-10-13. Review status: criteria provided, single submitter. Criteria: Invitae Variant Classification Sherloc (09022015). Collection method: clinical testing. Allele origin: germline.
Comment: This sequence change creates a premature translational stop signal (p.Phe20Serfs*7) in the SLC25A12 gene. It is expected to result in an absent or disrupted protein product. Loss-of-function variants in SLC25A12 are known to be pathogenic (PMID: 20015484, 31403263). This variant is not present in population databases (gnomAD no frequency). This variant has not been reported in the literature in individuals affected with SLC25A12-related conditions. For these reasons, this variant has been classified as Pathogenic.

CeGaT Center for Human Genetics Tuebingen
Classification: Likely pathogenic. Last evaluated: 2024-12-01. Review status: criteria provided, single submitter. Criteria: CeGaT Center For Human Genetics Tuebingen Variant Classification Criteria Version 2. Collection method: clinical testing. Allele origin: germline. Affected: yes. Observed: 1 variant allele.
Comment: SLC25A12: PVS1:Strong, PM2

Literature cited by the submitters: PubMed 20015484 (cited by Labcorp Genetics (formerly Invitae), Labcorp); PubMed 31403263 (cited by Labcorp Genetics (formerly Invitae), Labcorp).